The following is an entry in ClinVar:

NM_178335.3(CCDC50):c.809G>A (p.Arg270Gln)

Gene: CCDC50 (coiled-coil domain containing 50; plus strand). Cytogenetic location: 3q28.
Variant type: single nucleotide variant.
Coding change: c.809G>A on transcript NM_178335.3 (MANE Select); coding-DNA position 809, G replaced by A.
Protein change: p.Arg270Gln; replaces arginine 270 with glutamine.
Molecular consequence: missense variant. On other transcripts: intron variant (1).
Genome position (GRCh38, 1-based): chr3:191,375,422, G>A. VCF-style: chr3-191375422-G-A. GRCh37 (hg19) VCF-style: chr3-191093211-G-A.
Other names: c.449-4737G>A (NM_174908.4); short protein forms R270Q.
Identifiers: ClinVar variation 1810666 (VCV001810666.1), dbSNP rs1467185839, ClinGen allele CA355764526.

ClinVar aggregate classification (germline): Uncertain significance (1 of 4 stars; one submission).

Allele frequency attached by ClinVar (database versions not stated): TOPMed below 0.00001.
gnomAD v4.1: 1 of 1,613,746 alleles (0.000062%); highest among the groups gnomAD compares: Non-Finnish European, 0.000085%; no homozygotes.

Submission:

GeneDx
Classification: Uncertain significance. Last evaluated: 2022-07-08. Review status: criteria provided, single submitter. Criteria: GeneDx Variant Classification Process June 2021. Collection method: clinical testing. Allele origin: germline. Affected: yes.
Comment: Not observed at significant frequency in large population cohorts (gnomAD); In silico analysis supports that this missense variant does not alter protein structure/function; Has not been previously published as pathogenic or benign to our knowledge